The following is an entry in ClinVar:

NM_001358530.2(MOCS1):c.1315C>T (p.Arg439Trp)

Gene: MOCS1 (molybdenum cofactor synthesis 1; minus strand). Cytogenetic location: 6p21.2.
Variant type: single nucleotide variant.
Coding change: c.1315C>T on transcript NM_001358530.2 (MANE Select); coding-DNA position 1315, C replaced by T.
Protein change: p.Arg439Trp; replaces arginine 439 with tryptophan.
Molecular consequence: missense variant. On other transcripts: 3 prime UTR variant (4), non-coding transcript variant (1).
Genome position (GRCh38, 1-based): chr6:39,906,953, G>A on the plus strand (C>T on the coding strand, the complement: MOCS1 is on the minus strand). VCF-style: chr6-39906953-G-A. GRCh37 (hg19) VCF-style: chr6-39874729-G-A.
Other names: c.*172C>T (NM_001075098.4, NM_001358533.2, NM_001358534.2 and 1 more transcripts); c.1267C>T, p.Arg423Trp (NM_001358529.2); c.1054C>T, p.Arg352Trp (NM_001358531.2); short protein forms R439W, R352W, R423W.
Identifiers: ClinVar variation 905773 (VCV000905773.24), dbSNP rs772101270, ClinGen allele CA3795970.

ClinVar aggregate classification (germline): Uncertain significance. Review status: criteria provided, multiple submitters, no conflicts (2 of 4 stars). 3 submissions from 3 submitters: Uncertain significance (3). Last evaluated 2024-06-01.

Conditions:
Sulfite oxidase deficiency due to molybdenum cofactor deficiency type A. Also called: Molybdenum cofactor deficiency, complementation group A; Molybdenum Cofactor Deficiency A. Identifiers: Orphanet 308386, Orphanet 833, MedGen C1854988, MONDO:0009643, OMIM 252150.

Allele frequency attached by ClinVar (database versions not stated): ExAC 0.00001; gnomAD exomes 0.00002; TOPMed 0.00005; gnomAD 0.00008 and 0.00009.

Submissions (3):

CeGaT Center for Human Genetics Tuebingen
Classification: Uncertain significance. Last evaluated: 2024-06-01. Review status: criteria provided, single submitter. Criteria: CeGaT Center For Human Genetics Tuebingen Variant Classification Criteria Version 2. Collection method: clinical testing. Allele origin: germline. Affected: yes. Observed: 1 variant allele.
Comment: MOCS1: PM2, BP4

Labcorp Genetics (formerly Invitae), Labcorp
Classification: Uncertain significance for Sulfite oxidase deficiency due to molybdenum cofactor deficiency type A. Last evaluated: 2021-10-28. Review status: criteria provided, single submitter. Criteria: Invitae Variant Classification Sherloc (09022015). Collection method: clinical testing. Allele origin: germline.
Comment: This sequence change replaces arginine, which is basic and polar, with tryptophan, which is neutral and slightly polar, at codon 439 of the MOCS1 protein (p.Arg439Trp). This variant is present in population databases (rs772101270, gnomAD 0.003%). This variant has not been reported in the literature in individuals affected with MOCS1-related conditions. ClinVar contains an entry for this variant (Variation ID: 905773). Algorithms developed to predict the effect of missense changes on protein structure and function output the following: SIFT: "Not Available"; PolyPhen-2: "Benign"; Align-GVGD: "Not Available". The tryptophan amino acid residue is found in multiple mammalian species, which suggests that this missense change does not adversely affect protein function. In summary, the available evidence is currently insufficient to determine the role of this variant in disease. Therefore, it has been classified as a Variant of Uncertain Significance.

Illumina Laboratory Services, Illumina
Classification: Uncertain significance for Sulfite oxidase deficiency due to molybdenum cofactor deficiency type A. Last evaluated: 2018-01-12. Review status: criteria provided, single submitter. Criteria: ICSL Variant Classification Criteria 13 December 2019. Collection method: clinical testing. Allele origin: germline.